The following is an entry in ClinVar:

NM_207346.3(TSEN54):c.286-1G>A

Gene: TSEN54 (tRNA splicing endonuclease subunit 54; plus strand). Cytogenetic location: 17q25.1.
Variant type: single nucleotide variant.
Coding change: c.286-1G>A on transcript NM_207346.3 (MANE Select); the canonical splice acceptor site of the intron before coding-DNA position 286, G replaced by A.
Molecular consequence: splice acceptor variant.
Genome position (GRCh38, 1-based): chr17:75,517,160, G>A. VCF-style: chr17-75517160-G-A. GRCh37 (hg19) VCF-style: chr17-73513241-G-A.
Identifiers: ClinVar variation 2719684 (VCV002719684.3), dbSNP rs1024222577, ClinGen allele CA294076018.

ClinVar aggregate classification (germline): Likely pathogenic (1 of 4 stars; one submission).

Submission:

Labcorp Genetics (formerly Invitae), Labcorp
Classification: Likely pathogenic. Last evaluated: 2023-06-20. Review status: criteria provided, single submitter. Criteria: Invitae Variant Classification Sherloc (09022015). Collection method: clinical testing. Allele origin: germline.
Comment: This sequence change affects an acceptor splice site in intron 3 of the TSEN54 gene. It is expected to disrupt RNA splicing. Variants that disrupt the donor or acceptor splice site typically lead to a loss of protein function (PMID: 16199547), and loss-of-function variants in TSEN54 are known to be pathogenic (PMID: 18711368, 20952379). In summary, the currently available evidence indicates that the variant is pathogenic, but additional data are needed to prove that conclusively. Therefore, this variant has been classified as Likely Pathogenic. Algorithms developed to predict the effect of sequence changes on RNA splicing suggest that this variant may disrupt the consensus splice site. This variant has not been reported in the literature in individuals affected with TSEN54-related conditions. This variant is not present in population databases (gnomAD no frequency).

Literature cited by the submitters: PubMed 16199547; PubMed 18711368; PubMed 20952379.